The following is an entry in ClinVar:

ClinVar aggregate classification (germline): Uncertain significance (1 of 4 stars; one submission).

gnomAD v4.1: 7 of 1,613,826 alleles (0.00043%); highest among the groups gnomAD compares: African/African-American, 0.0093%; no homozygotes.

Submission:

Women's Health and Genetics/Laboratory Corporation of America, LabCorp
Classification: Uncertain significance. Last evaluated: 2026-02-16. Review status: criteria provided, single submitter. Criteria: LabCorp Variant Classification Summary - May 2015. Collection method: clinical testing. Allele origin: germline.
Comment: Variant summary: ANK3 c.2073C>A (p.Asn691Lys) results in a non-conservative amino acid change in the encoded protein sequence. Algorithms developed to predict the effect of missense changes on protein structure and function are either unavailable or do not agree on the potential impact of this missense change. The variant allele was found at a frequency of 4e-06 in 251122 control chromosomes. The available data on variant occurrences in the general population are insufficient to allow any conclusion about variant significance. To our knowledge, no occurrence of c.2073C>A in individuals affected with ANK3-related conditions and no experimental evidence demonstrating its impact on protein function have been reported. No submitters have cited clinical-significance assessments for this variant to ClinVar. Based on the evidence outlined above, the variant was classified as uncertain significance.

NM_020987.5(ANK3):c.2073C>A (p.Asn691Lys)

Gene: ANK3 (ankyrin 3; minus strand). Cytogenetic location: 10q21.2.
Variant type: single nucleotide variant.
Coding change: c.2073C>A on transcript NM_020987.5 (MANE Select); coding-DNA position 2073, C replaced by A.
Protein change: p.Asn691Lys; replaces asparagine 691 with lysine.
Molecular consequence: missense variant.
Genome position (GRCh38, 1-based): chr10:60,186,727, G>T on the plus strand (C>A on the coding strand, the complement: ANK3 is on the minus strand). VCF-style: chr10-60186727-G-T. GRCh37 (hg19) VCF-style: chr10-61946485-G-T.
Other names: c.2055C>A, p.Asn685Lys (NM_001204403.2); c.2022C>A, p.Asn674Lys (NM_001204404.2); c.2073C>A, p.Asn691Lys (NM_001320874.2); short protein forms N674K, N685K, N691K.
Identifiers: ClinVar variation 4847797 (VCV004847797.1).
Genomic context (GRCh38, chr10:60,186,727, plus strand): 5'-GTGAGGTTTTGGTGTGCTGCATGCTTTGTCAAGAAAGAAGTGGGTTACCTTATTGCTCAG[G>T]TTCACATTCGCATTTCTACCGAGGAGCAGCGACACCATGTCCACGTGCCCTTCCTGAGCT-3'
Protein context (NP_066267.2, residues 681-701): SLLLGRNANV[Asn691Lys]LSNKSGLTPL